The following is an entry in ClinVar:

ClinVar aggregate classification (germline): Conflicting classifications of pathogenicity. Review status: criteria provided, conflicting classifications (1 of 4 stars). 3 submissions from 3 submitters: Uncertain significance (2); Benign (1). Last evaluated 2026-07-01.

Conditions:
Malignant hyperthermia, susceptibility to, 5 (MHS5). Also called: CACNA1S-Related Malignant Hyperthermia Susceptibility. Identifiers: Orphanet 423, MedGen C1866077, MONDO:0011163, OMIM 601887.
Hypokalemic periodic paralysis, type 1. Also called: Hypokalemic Periodic Paralysis Type 1 (AD); HypoPP. Identifiers: Orphanet 681, MedGen C3714580, MONDO:0042979, OMIM 170400.

Allele frequency attached by ClinVar (database versions not stated): gnomAD exomes below 0.00001 and 0.00001; TOPMed 0.00001; gnomAD 0.00003 and 0.00004.
gnomAD v4.1: 8 of 1,604,982 alleles (0.0005%); highest among the groups gnomAD compares: African/African-American, 0.0093%; no homozygotes.

Submissions (3):

CeGaT Center for Human Genetics Tuebingen
Classification: Uncertain significance. Last evaluated: 2026-07-01. Review status: criteria provided, single submitter. Criteria: CeGaT Center For Human Genetics Tuebingen Variant Classification Criteria Version 2. Collection method: clinical testing. Allele origin: germline. Affected: yes. Observed: 1 variant allele.
Comment: CACNA1S: PM2

All of Us Research Program, National Institutes of Health
Classification: Uncertain significance for Malignant hyperthermia, susceptibility to, 5. Last evaluated: 2024-04-25. Review status: criteria provided, single submitter. Criteria: ACMG Guidelines, 2015. Collection method: clinical testing. Allele origin: germline. Inheritance: Autosomal dominant inheritance. Observed: 1 variant allele, 1 heterozygote.
Comment: This missense variant replaces arginine with glycine at codon 828 of the CACNA1S protein. Computational prediction suggests that this variant may have deleterious impact on protein structure and function. To our knowledge, functional studies have not been reported for this variant. This variant has not been reported in individuals affected with CACNA1S-related disorders in the literature. This variant has been identified in 4/262266 chromosomes in the general population by the Genome Aggregation Database (gnomAD). The available evidence is insufficient to determine the role of this variant in disease conclusively. Therefore, this variant is classified as a Variant of Uncertain Significance.

This study involves interpretation of variants in research participants for the purpose of population health screening. Participant phenotype was not available at the time of variant classification. Additional details can be found in publication PMID: 35346344, PMCID: PMC8962531

Labcorp Genetics (formerly Invitae), Labcorp
Classification: Benign for Hypokalemic periodic paralysis, type 1; Malignant hyperthermia, susceptibility to, 5. Last evaluated: 2022-08-23. Review status: criteria provided, single submitter. Criteria: Invitae Variant Classification Sherloc (09022015). Collection method: clinical testing. Allele origin: germline.

NM_000069.3(CACNA1S):c.2482A>G (p.Arg828Gly)

Gene: CACNA1S (calcium voltage-gated channel subunit alpha1 S; minus strand). Cytogenetic location: 1q32.1.
Variant type: single nucleotide variant.
Coding change: c.2482A>G on transcript NM_000069.3 (MANE Select); coding-DNA position 2482, A replaced by G.
Protein change: p.Arg828Gly; replaces arginine 828 with glycine.
Molecular consequence: missense variant.
Genome position (GRCh38, 1-based): chr1:201,069,480, T>C on the plus strand (A>G on the coding strand, the complement: CACNA1S is on the minus strand). VCF-style: chr1-201069480-T-C. GRCh37 (hg19) VCF-style: chr1-201038608-T-C.
Other names: short protein forms R828G.
Identifiers: ClinVar variation 1355509 (VCV001355509.8), dbSNP rs1174225838, ClinGen allele CA344106484.
Genomic context (GRCh38, chr1:201,069,480, plus strand): 5'-GAGGCTGGAGGGGGCAGGGGTGCTGAGTGGCAGAGAGGGTGAAGCCCGTCACCTGATTTC[T>C]CATGGAATCAGCCCGGATGGGGTCTTCCGCAGCCAGTGCAGCGCTGCTGAGCAGGATGAA-3'
Protein context (NP_000060.2, residues 818-838): AEDPIRADSM[Arg828Gly]NQILKHFDIG